The following is an entry in ClinVar:

NM_020207.7(ERCC6L2):c.1507G>A (p.Asp503Asn)

Gene: ERCC6L2 (ERCC excision repair 6 like 2; plus strand). Cytogenetic location: 9q22.32.
Variant type: single nucleotide variant.
Coding change: c.1507G>A on transcript NM_020207.7 (MANE Select); coding-DNA position 1507, G replaced by A.
Protein change: p.Asp503Asn; replaces aspartic acid 503 with asparagine.
Molecular consequence: missense variant. On other transcripts: non-coding transcript variant (1).
Genome position (GRCh38, 1-based): chr9:95,923,353, G>A. VCF-style: chr9-95923353-G-A. GRCh37 (hg19) VCF-style: chr9-98685635-G-A.
Other names: c.1507G>A, p.Asp503Asn (NM_001010895.4, NM_001375291.1, NM_001375292.1 and 2 more transcripts); short protein forms D503N.
Identifiers: ClinVar variation 5036110 (VCV005036110.1).

ClinVar aggregate classification (germline): Uncertain significance (1 of 4 stars; one submission).

Conditions:
Inborn genetic diseases. Identifiers: MedGen C0950123, MeSH D030342.

Submission:

Ambry Genetics
Classification: Uncertain significance for Inborn genetic diseases. Last evaluated: 2026-08-27. Review status: criteria provided, single submitter. Criteria: Ambry Variant Classification Scheme 2023. Collection method: clinical testing. Allele origin: germline.
Comment: The p.D503N variant (also known as c.1507G>A), located in coding exon 9 of the ERCC6L2 gene, results from a G to A substitution at nucleotide position 1507. The aspartic acid at codon 503 is replaced by asparagine, an amino acid with highly similar properties. This amino acid position is conserved. In addition, this alteration is predicted to be tolerated by in silico analysis. Based on the available evidence, the clinical significance of this variant remains unclear.